The following is an entry in ClinVar:

ClinVar aggregate classification (germline): Uncertain significance. Review status: criteria provided, multiple submitters, no conflicts (2 of 4 stars). 3 submissions from 3 submitters: Uncertain significance (3). Last evaluated 2026-08-03.

Conditions:
PRX-related disorder. Also called: PRX-Related Disorders; PRX-related condition.
Charcot-Marie-Tooth disease type 4. Also called: Charcot-Marie-Tooth disease, type IV; Charcot-Marie-Tooth, Type 4. Identifiers: Orphanet 64749, MedGen C4082197, MONDO:0018995.
Inborn genetic diseases. Identifiers: MedGen C0950123, MeSH D030342.

Allele frequency attached by ClinVar (database versions not stated): ExAC 0.00001; gnomAD exomes 0.00001 and 0.00003; gnomAD 0.00004; TOPMed 0.00006.
gnomAD v4.1: 14 of 1,602,164 alleles (0.00087%); highest among the groups gnomAD compares: Admixed American, 0.01%; no homozygotes.

Submissions (3):

PreventionGenetics, part of Exact Sciences
Classification: Uncertain significance for PRX-related condition. Last evaluated: 2026-08-03. Review status: criteria provided, single submitter. Criteria: ACMG Guidelines, 2015. Collection method: clinical testing. Allele origin: germline.
Comment: The PRX c.3906C>A variant is predicted to result in the amino acid substitution p.His1302Gln. To our knowledge, this variant has not been reported in the literature. This variant is reported in 0.021% of alleles in individuals of Latino descent in gnomAD. At this time, the clinical significance of this variant is uncertain due to the absence of conclusive functional and genetic evidence.

Ambry Genetics
Classification: Uncertain significance for Inborn genetic diseases. Last evaluated: 2024-03-11. Review status: criteria provided, single submitter. Criteria: Ambry Variant Classification Scheme 2023. Collection method: clinical testing. Allele origin: germline.

Labcorp Genetics (formerly Invitae), Labcorp
Classification: Uncertain significance for Charcot-Marie-Tooth disease type 4. Last evaluated: 2022-04-28. Review status: criteria provided, single submitter. Criteria: Invitae Variant Classification Sherloc (09022015). Collection method: clinical testing. Allele origin: germline.
Comment: This sequence change replaces histidine, which is basic and polar, with glutamine, which is neutral and polar, at codon 1302 of the PRX protein (p.His1302Gln). The frequency data for this variant in the population databases is considered unreliable, as metrics indicate poor data quality at this position in the gnomAD database. This variant has not been reported in the literature in individuals affected with PRX-related conditions. ClinVar contains an entry for this variant (Variation ID: 1010447). Algorithms developed to predict the effect of missense changes on protein structure and function (SIFT, PolyPhen-2, Align-GVGD) all suggest that this variant is likely to be tolerated. In summary, the available evidence is currently insufficient to determine the role of this variant in disease. Therefore, it has been classified as a Variant of Uncertain Significance.

NM_181882.3(PRX):c.3906C>A (p.His1302Gln)

Gene: PRX (periaxin; minus strand). Cytogenetic location: 19q13.2.
Variant type: single nucleotide variant.
Coding change: c.3906C>A on transcript NM_181882.3 (MANE Select); coding-DNA position 3906, C replaced by A.
Protein change: p.His1302Gln; replaces histidine 1302 with glutamine.
Molecular consequence: missense variant. On other transcripts: 3 prime UTR variant (1).
Genome position (GRCh38, 1-based): chr19:40,394,446, G>T on the plus strand (C>A on the coding strand, the complement: PRX is on the minus strand). VCF-style: chr19-40394446-G-T. GRCh37 (hg19) VCF-style: chr19-40900353-G-T.
Other names: c.*4111C>A (NM_020956.2); c.3906C>A (NM_181882.2); short protein forms H1302Q.
Identifiers: ClinVar variation 1010447 (VCV001010447.7), dbSNP rs756103463, ClinGen allele CA9443746.
Genomic context (GRCh38, chr19:40,394,446, plus strand): 5'-CTCCTCGGCCCCCTCCTTGGCCCGCACCAGGCCAAACCGGGGCAGCCGTACCTTGAGCTT[G>T]TGTCCGGCCTCTCCCTCCCCCTCTGCCACCTGGTACTCGGCATGGTTGCCCCCGGATGGC-3'
Protein context (NP_870998.2, residues 1292-1312): QVAEGEGEAG[His1302Gln]KLKVRLPRFG